The following is an entry in ClinVar:

NM_002303.6(LEPR):c.2041A>T (p.Ile681Leu)

Genes: LEPR (leptin receptor; plus strand), LOC122094844 (Sharpr-MPRA regulatory region 5730; plus strand). Cytogenetic location: 1p31.3.
Variant type: single nucleotide variant.
Coding change: c.2041A>T on transcript NM_002303.6 (MANE Select); coding-DNA position 2041, A replaced by T.
Protein change: p.Ile681Leu; replaces isoleucine 681 with leucine.
Molecular consequence: missense variant.
Genome position (GRCh38, 1-based): chr1:65,616,053, A>T. VCF-style: chr1-65616053-A-T. GRCh37 (hg19) VCF-style: chr1-66081736-A-T.
Other names: c.2041A>T, p.Ile681Leu (NM_001003679.3, NM_001003680.3, NM_001198687.2 and 2 more transcripts); short protein forms I681L.
Identifiers: ClinVar variation 4994662 (VCV004994662.1).
Genomic context (GRCh38, chr1:65,616,053, plus strand): 5'-CTATATTTACTACAGCCCCTGATGAAAAATGACTCATTGTGCAGTGTTCAGAGATATGTG[A>T]TAAACCATCATACTTCCTGCAATGGAACATGGTCAGAAGATGTGGGAAATCACACGAAAT-3'
Protein context (NP_002294.2, residues 671-691): DSLCSVQRYV[Ile681Leu]NHHTSCNGTW

ClinVar aggregate classification (germline): Uncertain significance (1 of 4 stars; one submission).

Conditions:
LEPR-related disorder. Also called: LEPR-related condition; LEPR-related disorders.

Submission:

PreventionGenetics, part of Exact Sciences
Classification: Uncertain significance for LEPR-related condition. Last evaluated: 2026-05-16. Review status: criteria provided, single submitter. Criteria: ACMG Guidelines, 2015. Collection method: clinical testing. Allele origin: germline.
Comment: The LEPR c.2041A>T variant is predicted to result in the amino acid substitution p.Ile681Leu. To our knowledge, this variant has not been reported in the literature or in a large population database (gnomAD), indicating this variant is rare. At this time, the clinical significance of this variant is uncertain due to the absence of conclusive functional and genetic evidence.